The following is an entry in ClinVar:

ClinVar aggregate classification (germline): Uncertain significance (1 of 4 stars; one submission).

Submission:

Labcorp Genetics (formerly Invitae), Labcorp
Classification: Uncertain significance. Last evaluated: 2023-07-29. Review status: criteria provided, single submitter. Criteria: Invitae Variant Classification Sherloc (09022015). Collection method: clinical testing. Allele origin: germline.
Comment: This variant has not been reported in the literature in individuals affected with CREB3L3-related conditions. This sequence change replaces isoleucine, which is neutral and non-polar, with phenylalanine, which is neutral and non-polar, at codon 247 of the CREB3L3 protein (p.Ile247Phe). This variant is not present in population databases (gnomAD no frequency). ClinVar contains an entry for this variant (Variation ID: 1120263). Advanced modeling of protein sequence and biophysical properties (such as structural, functional, and spatial information, amino acid conservation, physicochemical variation, residue mobility, and thermodynamic stability) performed at Invitae indicates that this missense variant is expected to disrupt CREB3L3 protein function. In summary, the available evidence is currently insufficient to determine the role of this variant in disease. Therefore, it has been classified as a Variant of Uncertain Significance.

NM_032607.3(CREB3L3):c.739A>T (p.Ile247Phe)

Gene: CREB3L3 (cAMP responsive element binding protein 3 like 3; plus strand). Cytogenetic location: 19p13.3.
Variant type: single nucleotide variant.
Coding change: c.739A>T on transcript NM_032607.3 (MANE Select); coding-DNA position 739, A replaced by T.
Protein change: p.Ile247Phe; replaces isoleucine 247 with phenylalanine.
Molecular consequence: missense variant. On other transcripts: intron variant (1).
Genome position (GRCh38, 1-based): chr19:4,168,375, A>T. VCF-style: chr19-4168375-A-T. GRCh37 (hg19) VCF-style: chr19-4168372-A-T.
Other names: c.736A>T, p.Ile246Phe (NM_001271995.2); c.733A>T, p.Ile245Phe (NM_001271996.2); c.715-1765A>T (NM_001271997.2); short protein forms I245F, I246F, I247F.
Identifiers: ClinVar variation 2627371 (VCV002627371.4), dbSNP rs2145139316, ClinGen allele CA403405744.
Genomic context (GRCh38, chr19:4,168,375, plus strand): 5'-CTGGCCTGAAACCCTCCTCCCCATTTCACTTGGCAGTACGAGGAGCGAGTGCTGAAAAAA[A>T]TCCGCCGGAAAATCCGGAACAAGCAGTCGGCGCAAGAAAGCAGGAAGAAGAAGAAGGAAT-3'
Protein context (NP_115996.1, residues 237-257): TKYEERVLKK[Ile247Phe]RRKIRNKQSA